The following is an entry in ClinVar:

NM_016592.5(GNAS):c.387_410del (p.Ala132_Thr139del)

Genes: GNAS (GNAS complex locus; plus strand), GNAS-AS1 (GNAS antisense RNA 1; minus strand). Cytogenetic location: 20q13.32.
Variant type: Deletion.
Coding change: c.387_410del on transcript NM_016592.5 (MANE Plus Clinical); coding-DNA positions 387 to 410, 24 bases deleted (TGAGACCGCCCCCACCACTGAGCC).
Protein change: p.Ala132_Thr139del.
Molecular consequence: inframe deletion. On other transcripts: 5 prime UTR variant (1).
Genome position (GRCh38, 1-based): chr20:58,840,493-58,840,516, TGAGACCGCCCCCACCACTGAGCC deleted; deleting any 24 consecutive bases within chr20:58,840,488-58,840,516 gives the same sequence; the c. name uses the placement nearest the transcript's 3' end. VCF-style (leftmost placement, unchanged base first): chr20-58840487-CGAGCCTGAGACCGCCCCCACCACT-C. GRCh37 (hg19) VCF-style: chr20-57415542-CGAGCCTGAGACCGCCCCCACCACT-C.
Other names: c.-351_-328del (NM_001410912.1).
Identifiers: ClinVar variation 2506601 (VCV002506601.6), dbSNP rs747093000, ClinGen allele CA9926318.

ClinVar aggregate classification (germline): Conflicting classifications of pathogenicity. Review status: criteria provided, conflicting classifications (1 of 4 stars). 4 submissions from 4 submitters: Uncertain significance (2); Likely benign (2). Last evaluated 2026-04-23.

Conditions:
GNAS-related disorder. Identifiers: MedGen CN380105.

Submissions (4):

PreventionGenetics, part of Exact Sciences
Classification: Uncertain significance for GNAS-related condition. Last evaluated: 2026-04-23. Review status: criteria provided, single submitter. Criteria: ACMG Guidelines, 2015. Collection method: clinical testing. Allele origin: germline.
Comment: The GNAS c.387_410del24 variant is predicted to result in an in-frame deletion (p.Ala132_Thr139del). Of note, in the more commonly reported transcript (NM_000516.5) this variant is pre-coding (c.-51234_-51211del). To our knowledge, this variant has not been reported in the literature. This variant is reported in 0.012% of alleles in individuals of European (Finnish) descent in gnomAD. Although we suspect that this variant could be benign, at this time, the clinical significance of this variant is uncertain due to the absence of conclusive functional and genetic evidence.

Laboratory of Genetics, Children's Clinical University Hospital Latvia
Classification: Likely benign. Last evaluated: 2025-02-16. Review status: criteria provided, single submitter. Criteria: ACMG Guidelines, 2015. Collection method: clinical testing. Allele origin: germline. Affected: yes.

Blueprint Genetics
Classification: Likely benign. Last evaluated: 2024-10-11. Review status: criteria provided, single submitter. Criteria: ACMG Guidelines, 2015. Collection method: clinical testing. Allele origin: germline.

GeneDx
Classification: Uncertain significance. Last evaluated: 2022-12-22. Review status: criteria provided, single submitter. Criteria: GeneDx Variant Classification Process June 2021. Collection method: clinical testing. Allele origin: germline. Affected: yes.
Comment: In-frame deletion of 8 amino acids in a non-repeat region; Has not been previously published as pathogenic or benign to our knowledge; Reported using an alternate transcript of the gene